The following is an entry in ClinVar:

ClinVar aggregate classification (germline): Benign/Likely benign. Review status: criteria provided, multiple submitters, no conflicts (2 of 4 stars). 3 submissions from 3 submitters: Benign (1); Likely benign (2). Last evaluated 2018-06-16.

Conditions:
Maturity-onset diabetes of the young (MODY). Also called: Maturity onset diabetes mellitus in young. Identifiers: Orphanet 552, MedGen C0342276, MONDO:0018911, HP:0004904.

Allele frequency attached by ClinVar (database versions not stated): 1000 Genomes Project 0.01617; 1000 Genomes Project 30x 0.01640; gnomAD 0.02496 and 0.02520; gnomAD exomes 0.02535; TOPMed 0.02563; ExAC 0.03134.
gnomAD v4.1: 44,902 of 1,490,902 alleles (3%); highest among the groups gnomAD compares: Non-Finnish European, 3.4%; 803 homozygotes.

Submissions (3):

GeneDx
Classification: Likely benign. Last evaluated: 2018-06-16. Review status: criteria provided, single submitter. Criteria: GeneDx Variant Classification (06012015). Collection method: clinical testing. Allele origin: germline. Affected: yes.
Comment: This variant is considered likely benign or benign based on one or more of the following criteria: it is a conservative change, it occurs at a poorly conserved position in the protein, it is predicted to be benign by multiple in silico algorithms, and/or has population frequency not consistent with disease.

Breakthrough Genomics
Classification: Likely benign. Review status: criteria provided, single submitter. Criteria: ACMG Guidelines, 2015. Collection method: not provided. Allele origin: germline. Inheritance: Autosomal dominant inheritance. Affected: yes.

Clinical Genomics, Uppaluri K&H Personalized Medicine Clinic
Classification: Benign for Maturity-onset diabetes of the young. Review status: criteria provided, single submitter. Criteria: K & H Uppaluri Personalized Medicine Clinic Variant Classification & Assertion Criteria_Updated V.1. Collection method: research. Allele origin: unknown. Inheritance: Autosomal dominant inheritance.
Comment: Mutations in HNF1A gene can predispose to MODY3. It is associated with both micro and macrovascular complications of diabetes, especially cardiovascular complications. Associated with glucosuria. May respond well to sulfonylureas. However, more evidence is required to confer the association of this particular variant rs55919842 with MODY3.

Literature cited by the submitters: PubMed 31517624 (cited by Clinical Genomics, Uppaluri K&H Personalized Medicine Clinic); PubMed 32395877 (cited by Clinical Genomics, Uppaluri K&H Personalized Medicine Clinic); PubMed 35328643 (cited by Clinical Genomics, Uppaluri K&H Personalized Medicine Clinic); PubMed 35673428 (cited by Clinical Genomics, Uppaluri K&H Personalized Medicine Clinic).

NM_000545.8(HNF1A):c.1501+68A>G

Gene: HNF1A (HNF1 homeobox A; plus strand). Cytogenetic location: 12q24.31.
Variant type: single nucleotide variant.
Coding change: c.1501+68A>G on transcript NM_000545.8 (MANE Select); 68 bases into the intron after coding-DNA position 1501, A replaced by G.
Molecular consequence: intron variant.
Genome position (GRCh38, 1-based): chr12:120,997,733, A>G. VCF-style: chr12-120997733-A-G. GRCh37 (hg19) VCF-style: chr12-121435536-A-G.
Other names: c.1501+68A>G (NM_001306179.2).
Identifiers: ClinVar variation 676921 (VCV000676921.3), dbSNP rs55919842, ClinGen allele CA6832071.